The following is an entry in ClinVar:

NM_016816.4(OAS1):c.700C>G (p.Leu234Val)

Gene: OAS1 (2'-5'-oligoadenylate synthetase 1; plus strand). Cytogenetic location: 12q24.13.
Variant type: single nucleotide variant.
Coding change: c.700C>G on transcript NM_016816.4 (MANE Select); coding-DNA position 700, C replaced by G.
Protein change: p.Leu234Val; replaces leucine 234 with valine.
Molecular consequence: missense variant. On other transcripts: non-coding transcript variant (9).
Genome position (GRCh38, 1-based): chr12:112,916,554, C>G. VCF-style: chr12-112916554-C-G. GRCh37 (hg19) VCF-style: chr12-113354359-C-G.
Other names: c.700C>G, p.Leu234Val (NM_001032409.3, NM_001320151.2, NM_001406022.1 and 1 more transcripts); c.676C>G, p.Leu226Val (NM_001406020.1, NM_001406021.1, NM_001406023.1 and 2 more transcripts); c.226C>G, p.Leu76Val (NM_001406026.1, NM_001406027.1, NM_001406029.1 and 1 more transcripts); short protein forms L226V, L234V, L76V.
Identifiers: ClinVar variation 4775668 (VCV004775668.1).

ClinVar aggregate classification (germline): Uncertain significance (1 of 4 stars; one submission).

gnomAD v4.1: 3 of 1,614,004 alleles (0.00019%); highest among the groups gnomAD compares: African/African-American, 0.004%; no homozygotes.

Submission:

Labcorp Genetics (formerly Invitae), Labcorp
Classification: Uncertain significance. Last evaluated: 2025-02-15. Review status: criteria provided, single submitter. Criteria: Invitae Variant Classification Sherloc (09022015). Collection method: clinical testing. Allele origin: germline.
Comment: This sequence change replaces leucine, which is neutral and non-polar, with valine, which is neutral and non-polar, at codon 234 of the OAS1 protein (p.Leu234Val). This variant is not present in population databases (gnomAD no frequency). This variant has not been reported in the literature in individuals affected with OAS1-related conditions. An algorithm developed to predict the effect of missense changes on protein structure and function (PolyPhen-2) suggests that this variant is likely to be disruptive. In summary, the available evidence is currently insufficient to determine the role of this variant in disease. Therefore, it has been classified as a Variant of Uncertain Significance.